The following is an entry in ClinVar:

ClinVar aggregate classification (germline): Likely benign (1 of 4 stars; one submission).

Allele frequency attached by ClinVar (database versions not stated): 1000 Genomes Project 30x 0.00109; 1000 Genomes Project 0.00120; TOPMed 0.00278; ESP Exome Variant Server 0.00346; gnomAD 0.00385; gnomAD exomes 0.00403; ExAC 0.00444.
gnomAD v4.1: 6,417 of 1,612,476 alleles (0.4%); highest among the groups gnomAD compares: Non-Finnish European, 0.43%; 170 homozygotes.

Submission:

CeGaT Center for Human Genetics Tuebingen
Classification: Likely benign. Last evaluated: 2023-03-01. Review status: criteria provided, single submitter. Criteria: CeGaT Center For Human Genetics Tuebingen Variant Classification Criteria Version 2. Collection method: clinical testing. Allele origin: germline. Affected: yes. Observed: 1 variant allele.
Comment: PSG6: BP4, BS2

NM_001031850.4(PSG6):c.1205A>T (p.Lys402Met)

Gene: PSG6 (pregnancy specific beta-1-glycoprotein 6; minus strand). Cytogenetic location: 19q13.31.
Variant type: single nucleotide variant.
Coding change: c.1205A>T on transcript NM_001031850.4 (MANE Select); coding-DNA position 1205, A replaced by T.
Protein change: p.Lys402Met; replaces lysine 402 with methionine.
Molecular consequence: missense variant.
Genome position (GRCh38, 1-based): chr19:42,906,957, T>A on the plus strand (A>T on the coding strand, the complement: PSG6 is on the minus strand). VCF-style: chr19-42906957-T-A. GRCh37 (hg19) VCF-style: chr19-43411109-T-A.
Other names: c.1205A>T, p.Lys402Met (NM_002782.5); short protein forms K402M.
Identifiers: ClinVar variation 2650049 (VCV002650049.24), dbSNP rs147272088, ClinGen allele CA9480976.